The following is an entry in ClinVar:

NM_012203.2(GRHPR):c.954_955del (p.Glu320fs)

Gene: GRHPR (glyoxylate and hydroxypyruvate reductase; plus strand). Cytogenetic location: 9p13.2.
Variant type: Microsatellite.
Coding change: c.954_955del on transcript NM_012203.2 (MANE Select); coding-DNA positions 954 to 955, 2 bases deleted (AG; older notation c.954_955delAG).
Protein change: p.Glu320fs; shifts the reading frame from glutamic acid 320.
Molecular consequence: frameshift variant.
Genome position (GRCh38, 1-based): chr9:37,436,749-37,436,750, AG deleted; deleting any 2 consecutive bases within chr9:37,436,746-37,436,750 gives the same sequence; the c. name uses the placement nearest the transcript's 3' end. VCF-style (leftmost placement, unchanged base first): chr9-37436745-TGA-T. GRCh37 (hg19) VCF-style: chr9-37436742-TGA-T.
Other names: short protein forms E320fs.
Identifiers: ClinVar variation 551678 (VCV000551678.40), dbSNP rs1554749672, ClinGen allele CA658822483.

ClinVar aggregate classification (germline): Conflicting classifications of pathogenicity. Review status: criteria provided, conflicting classifications (1 of 4 stars). 4 submissions from 4 submitters: Likely pathogenic (2); Uncertain significance (1). 1 of the submissions does not count toward it. Last evaluated 2026-03-05.

Conditions:
Primary hyperoxaluria, type II (HP2). Also called: D-GLYCERATE DEHYDROGENASE DEFICIENCY; OXALOSIS II; Primary hyperoxaluria type 2; GLYCERIC ACIDURIA; GLYOXYLATE REDUCTASE/HYDROXYPYRUVATE REDUCTASE DEFICIENCY. Identifiers: Orphanet 416, Orphanet 93599, MedGen C0268165, MONDO:0009824, OMIM 260000. Disease mechanism: loss of function.

Submissions (4):

Myriad Genetics, Inc.
Classification: Uncertain significance for Primary hyperoxaluria, type II. Last evaluated: 2026-03-05. Review status: criteria provided, single submitter. Criteria: Myriad Autosomal Dominant, Autosomal Recessive and X-Linked Classification Criteria (2023). Collection method: clinical testing. Allele origin: unknown.
Comment: NM_012203.1(GRHPR):c.954_955delAG(E320Afs*4) is a frameshift variant classified as a variant of uncertain significance in the context of primary hyperoxaluria type 2. E320Afs*4 has not been observed in cases with relevant disease. Relevant functional assessments of this variant are not available in the literature. E320Afs*4 has not been observed in referenced population frequency databases. In summary, there is insufficient evidence to classify NM_012203.1(GRHPR):c.954_955delAG(E320Afs*4) as pathogenic or benign. Please note: this variant was assessed in the context of healthy population screening.

Fulgent Genetics
Classification: Likely pathogenic for Primary hyperoxaluria, type II. Last evaluated: 2024-05-29. Review status: criteria provided, single submitter. Criteria: ACMG Guidelines, 2015. Collection method: clinical testing. Allele origin: germline.

CeGaT Center for Human Genetics Tuebingen
Classification: Likely pathogenic. Last evaluated: 2021-03-01. Review status: criteria provided, single submitter. Criteria: CeGaT Center For Human Genetics Tuebingen Variant Classification Criteria Version 2. Collection method: clinical testing. Allele origin: germline. Affected: yes. Observed: 1 variant allele.

Counsyl
Classification: Uncertain significance for Primary hyperoxaluria, type II. Last evaluated: 2017-05-03. Review status: no assertion criteria provided. Collection method: clinical testing. Allele origin: unknown. Not counted in ClinVar's aggregate classification.